The following is an entry in ClinVar:

ClinVar aggregate classification (germline): Likely benign. Review status: criteria provided, single submitter (1 of 4 stars). 2 submissions from 2 submitters: Likely benign (1). 1 of the submissions does not count toward it. Last evaluated 2025-10-24.

Conditions:
POLR1A-related disorder. Also called: POLR1A-related condition.

Allele frequency attached by ClinVar (database versions not stated): gnomAD exomes 0.00006 and 0.00014; ExAC 0.00014; 1000 Genomes Project 30x 0.00031; 1000 Genomes Project 0.00040; ESP Exome Variant Server 0.00049; gnomAD 0.00057 and 0.00061; TOPMed 0.00060.
gnomAD v4.1: 178 of 1,613,796 alleles (0.011%); highest among the groups gnomAD compares: African/African-American, 0.21%; no homozygotes.

Submissions (2):

Labcorp Genetics (formerly Invitae), Labcorp
Classification: Likely benign. Last evaluated: 2025-10-24. Review status: criteria provided, single submitter. Criteria: Invitae Variant Classification Sherloc (09022015). Collection method: clinical testing. Allele origin: germline.

PreventionGenetics, part of Exact Sciences
Classification: Likely benign for POLR1A-related condition. Last evaluated: 2019-03-06. Review status: no assertion criteria provided. Collection method: clinical testing. Allele origin: germline. Not counted in ClinVar's aggregate classification.
Comment: This variant is classified as likely benign based on ACMG/AMP sequence variant interpretation guidelines (Richards et al. 2015 PMID: 25741868, with internal and published modifications).

NM_015425.6(POLR1A):c.3420C>T (p.Ala1140=)

Gene: POLR1A (RNA polymerase I subunit A; minus strand). Cytogenetic location: 2p11.2.
Variant type: single nucleotide variant.
Coding change: c.3420C>T on transcript NM_015425.6 (MANE Select); coding-DNA position 3420, C replaced by T.
Protein change: p.Ala1140=; no amino-acid change (alanine 1140 retained).
Molecular consequence: synonymous variant.
Genome position (GRCh38, 1-based): chr2:86,042,041, G>A on the plus strand (C>T on the coding strand, the complement: POLR1A is on the minus strand). VCF-style: chr2-86042041-G-A. GRCh37 (hg19) VCF-style: chr2-86269164-G-A.
Other names: c.3420C>T (NM_015425.4).
Identifiers: ClinVar variation 1541744 (VCV001541744.10), dbSNP rs141026251, ClinGen allele CA1745769.